The following is an entry in ClinVar:

ClinVar aggregate classification (germline): Uncertain significance (1 of 4 stars; one submission).

Conditions:
Dilated cardiomyopathy 1G (CMD1G). Identifiers: Orphanet 154, MedGen C1858763, MONDO:0011400, OMIM 604145.
Autosomal recessive limb-girdle muscular dystrophy type 2J (LGMDR10). Also called: Limb-girdle muscular dystrophy, type 2J; MUSCULAR DYSTROPHY, LIMB-GIRDLE, AUTOSOMAL RECESSIVE 10. Identifiers: Orphanet 140922, MedGen C1837342, MONDO:0012127, OMIM 608807.

Submission:

Labcorp Genetics (formerly Invitae), Labcorp
Classification: Uncertain significance for Dilated cardiomyopathy 1G; Autosomal recessive limb-girdle muscular dystrophy type 2J. Last evaluated: 2025-03-09. Review status: criteria provided, single submitter. Criteria: Invitae Variant Classification Sherloc (09022015). Collection method: clinical testing. Allele origin: germline.
Comment: This sequence change replaces valine, which is neutral and non-polar, with isoleucine, which is neutral and non-polar, at codon 19088 of the TTN protein (p.Val19088Ile). This variant also falls at the last nucleotide of exon 293, which is part of the consensus splice site for this exon. This variant is not present in population databases (gnomAD no frequency). This variant has not been reported in the literature in individuals affected with TTN-related conditions. ClinVar contains an entry for this variant (Variation ID: 572613). Experimental studies and prediction algorithms are not available or were not evaluated, and the functional significance of this variant is currently unknown. Variants that disrupt the consensus splice site are a relatively common cause of aberrant splicing (PMID: 17576681, 9536098). Algorithms developed to predict the effect of sequence changes on RNA splicing suggest that this variant may disrupt the consensus splice site. This variant is located in the A band of TTN (PMID: 25589632). Variants in this region may be relevant for cardiac or neuromuscular disorders (PMID: 25589632, 23975875). In summary, the available evidence is currently insufficient to determine the role of this variant in disease. Therefore, it has been classified as a Variant of Uncertain Significance.

Literature cited by the submitters: PubMed 17576681; PubMed 9536098; PubMed 25589632; PubMed 23975875.

NM_001267550.2(TTN):c.57262G>A (p.Val19088Ile)

Genes: TTN (titin; minus strand), TTN-AS1 (TTN antisense RNA 1; plus strand). Cytogenetic location: 2q31.2.
Variant type: single nucleotide variant.
Coding change: c.57262G>A on transcript NM_001267550.2 (MANE Select); coding-DNA position 57262, G replaced by A.
Protein change: p.Val19088Ile; replaces valine 19088 with isoleucine.
Molecular consequence: missense variant.
Genome position (GRCh38, 1-based): chr2:178,597,908, C>T on the plus strand (G>A on the coding strand, the complement: TTN is on the minus strand). VCF-style: chr2-178597908-C-T. GRCh37 (hg19) VCF-style: chr2-179462635-C-T.
Other names: c.52339G>A, p.Val17447Ile (NM_001256850.1); c.30067G>A, p.Val10023Ile (NM_003319.4); c.49558G>A, p.Val16520Ile (NM_133378.4); c.30442G>A, p.Val10148Ile (NM_133432.3); c.30643G>A, p.Val10215Ile (NM_133437.4); short protein forms V19088I, V10215I, V10023I, V10148I, V16520I, V17447I.
Identifiers: ClinVar variation 572613 (VCV000572613.7), dbSNP rs727505347, ClinGen allele CA349522269.